The following is an entry in ClinVar:

NM_000282.4(PCCA):c.1676G>T (p.Trp559Leu)

Gene: PCCA (propionyl-CoA carboxylase subunit alpha; plus strand). Cytogenetic location: 13q32.3.
Variant type: single nucleotide variant.
Coding change: c.1676G>T on transcript NM_000282.4 (MANE Select); coding-DNA position 1676, G replaced by T.
Protein change: p.Trp559Leu; replaces tryptophan 559 with leucine.
Molecular consequence: missense variant. On other transcripts: non-coding transcript variant (2).
Genome position (GRCh38, 1-based): chr13:100,368,504, G>T. VCF-style: chr13-100368504-G-T. GRCh37 (hg19) VCF-style: chr13-101020758-G-T.
Other names: c.1598G>T, p.Trp533Leu (NM_001127692.3, NM_001352607.2); c.1676G>T, p.Trp559Leu (NM_001178004.2, NM_001352605.2, NM_001352609.2); c.1532G>T, p.Trp511Leu (NM_001352606.2); c.1454G>T, p.Trp485Leu (NM_001352608.2); c.731G>T, p.Trp244Leu (NM_001352610.2, NM_001352611.2); c.587G>T, p.Trp196Leu (NM_001352612.2); short protein forms W559L, W533L, W485L, W196L, W244L, W511L.
Identifiers: ClinVar variation 218258 (VCV000218258.44), dbSNP rs118169528, ClinGen allele CA7033745.

ClinVar aggregate classification (germline): Conflicting classifications of pathogenicity. Review status: criteria provided, conflicting classifications (1 of 4 stars). 9 submissions from 9 submitters: Uncertain significance (3); Benign (4). 2 of the submissions do not count toward it. Last evaluated 2026-02-01.

Conditions:
Propionic acidemia (PROP). Also called: GLYCINEMIA, KETOTIC; HYPERGLYCINEMIA WITH KETOACIDOSIS AND LEUKOPENIA; KETOTIC HYPERGLYCINEMIA. Identifiers: Orphanet 35, MedGen C0268579, MONDO:0011628, OMIM 606054, HP:0003571.

Allele frequency attached by ClinVar (database versions not stated): gnomAD 0.00088 and 0.00119; TOPMed 0.00193; gnomAD exomes 0.00302; ExAC 0.00308; 1000 Genomes Project 30x 0.00515; 1000 Genomes Project 0.00519.
gnomAD v4.1: 1,435 of 1,608,618 alleles (0.089%); highest among the groups gnomAD compares: East Asian, 2.9%; 23 homozygotes.

Submissions (9):

Labcorp Genetics (formerly Invitae), Labcorp
Classification: Benign for Propionic acidemia. Last evaluated: 2026-02-01. Review status: criteria provided, single submitter. Criteria: Invitae Variant Classification Sherloc (09022015). Collection method: clinical testing. Allele origin: germline.

CeGaT Center for Human Genetics Tuebingen
Classification: Benign. Last evaluated: 2025-03-01. Review status: criteria provided, single submitter. Criteria: CeGaT Center For Human Genetics Tuebingen Variant Classification Criteria Version 2. Collection method: clinical testing. Allele origin: germline. Affected: yes. Observed: 2 variant alleles.
Comment: PCCA: BS1, BS2

Genome-Nilou Lab
Classification: Uncertain significance for Propionic acidemia. Last evaluated: 2021-05-18. Review status: criteria provided, single submitter. Criteria: ACMG Guidelines, 2015. Collection method: clinical testing. Allele origin: germline. Affected: no.

Mendelics
Classification: Uncertain significance for Propionic acidemia. Last evaluated: 2019-05-28. Review status: criteria provided, single submitter. Criteria: Mendelics Assertion Criteria 2017. Collection method: clinical testing. Allele origin: unknown.

Illumina Laboratory Services, Illumina
Classification: Benign for Propionic acidemia. Last evaluated: 2018-03-06. Review status: criteria provided, single submitter. Criteria: ICSL Variant Classification Criteria 13 December 2019. Collection method: clinical testing. Allele origin: germline.
Comment: This variant was observed in the ICSL laboratory as part of a predisposition screen in an ostensibly healthy population. It had not been previously curated by ICSL or reported in the Human Gene Mutation Database (HGMD: prior to June 1st, 2018), and was therefore a candidate for classification through an automated scoring system. Utilizing variant allele frequency, disease prevalence and penetrance estimates, and inheritance mode, an automated score was calculated to assess if this variant is too frequent to cause the disease. Based on the score and internal cut-off values, a variant classified as benign is not then subjected to further curation. The score for this variant resulted in a classification of benign for this disease.

GeneDx
Classification: Benign. Last evaluated: 2017-05-12. Review status: criteria provided, single submitter. Criteria: GeneDx Variant Classification (06012015). Collection method: clinical testing. Allele origin: germline. Affected: yes.
Comment: This variant is considered likely benign or benign based on one or more of the following criteria: it is a conservative change, it occurs at a poorly conserved position in the protein, it is predicted to be benign by multiple in silico algorithms, and/or has population frequency not consistent with disease.

Soonchunhyang University Bucheon Hospital, Soonchunhyang University Medical Center
Classification: Uncertain significance for Propionic acidemia. Last evaluated: 2016-03-18. Review status: criteria provided, single submitter. Criteria: ACMG Guidelines, 2015. Collection method: reference population. Allele origin: germline. Observed: 7 variant alleles.

Natera, Inc.
Classification: Uncertain significance for Propionic acidemia. Last evaluated: 2020-04-17. Review status: no assertion criteria provided. Collection method: clinical testing. Allele origin: germline. Not counted in ClinVar's aggregate classification.

Institute of Medical Genetics and Genomics, Sir Ganga Ram Hospital
Classification: Pathogenic for Propionic Acidemia. Last evaluated: 2012-01-01. Review status: flagged submission. Criteria: Gupta et al. (Genet Test Mol Biomarkers 2016). Collection method: research. Allele origin: germline. Affected: yes. Observed: 1 variant allele. Study: ORGANIC ACIDURIAS. Not counted in ClinVar's aggregate classification.
Comment: Missense mutation
ClinVar note: Reason: Outlier claim with insufficient supporting evidence

Literature cited by the submitters: PubMed 10518292 (cited by Soonchunhyang University Bucheon Hospital, Soonchunhyang University Medical Center).